The following is an entry in ClinVar:

ClinVar aggregate classification (germline): Pathogenic (1 of 4 stars; one submission).

Submission:

Labcorp Genetics (formerly Invitae), Labcorp
Classification: Pathogenic. Last evaluated: 2024-10-21. Review status: criteria provided, single submitter. Criteria: Invitae Variant Classification Sherloc (09022015). Collection method: clinical testing. Allele origin: germline.
Comment: This sequence change creates a premature translational stop signal (p.Ala1549Glyfs*17) in the SPEG gene. It is expected to result in an absent or disrupted protein product. Loss-of-function variants in SPEG are known to be pathogenic (PMID: 19118250, 25087613). This variant is not present in population databases (gnomAD no frequency). This variant has not been reported in the literature in individuals affected with SPEG-related conditions. For these reasons, this variant has been classified as Pathogenic.

Literature cited by the submitters: PubMed 19118250; PubMed 25087613.

NM_005876.5(SPEG):c.4645dup (p.Ala1549fs)

Gene: SPEG (striated muscle enriched protein kinase; plus strand). Cytogenetic location: 2q35.
Variant type: Duplication.
Coding change: c.4645dup on transcript NM_005876.5 (MANE Select); coding-DNA position 4645, one base duplicated (G; older notation c.4645dupG).
Protein change: p.Ala1549fs; shifts the reading frame from alanine 1549.
Molecular consequence: frameshift variant.
Genome position (GRCh38, 1-based): chr2:219,477,361, G duplicated; the last of 5 consecutive G bases (chr2:219,477,357-219,477,361); duplicating any one gives the same sequence. VCF-style (leftmost placement, unchanged base first): chr2-219477356-C-CG. GRCh37 (hg19) VCF-style: chr2-220342078-C-CG.
Other names: short protein forms A1549fs.
Identifiers: ClinVar variation 3723424 (VCV003723424.2).
Genomic context (GRCh38, chr2:219,477,356, plus strand): 5'-AGAGCAGCCATGTGAGCTTCGTGTACGAGGAGAATGAGTGCTCCCTGGTGGTGCTCAGCA[C>CG]GGGGGCCCAGGATGGAGGCGTCTACACCTGCACCGCCCAGAACCTGGCGGGTGAGGTCTC-3'